The following is an entry in ClinVar:

NM_001006658.3(CR2):c.1518T>A (p.Tyr506Ter)

Gene: CR2 (complement C3d receptor 2; plus strand). Cytogenetic location: 1q32.2.
Variant type: single nucleotide variant.
Coding change: c.1518T>A on transcript NM_001006658.3 (MANE Select); coding-DNA position 1518, T replaced by A.
Protein change: p.Tyr506Ter; replaces tyrosine 506 with a stop codon.
Molecular consequence: nonsense.
Genome position (GRCh38, 1-based): chr1:207,471,447, T>A. VCF-style: chr1-207471447-T-A. GRCh37 (hg19) VCF-style: chr1-207644792-T-A.
Other names: c.1518T>A, p.Tyr506Ter (NM_001877.5); short protein forms Y506*.
Identifiers: ClinVar variation 2954886 (VCV002954886.3), dbSNP rs2527219225, ClinGen allele CA344531479.

ClinVar aggregate classification (germline): Pathogenic (1 of 4 stars; one submission).

Conditions:
Immunodeficiency, common variable, 7. Identifiers: Orphanet 1572, Orphanet 696894, MedGen C3542922, MONDO:0013862, OMIM 614699.

Submission:

Labcorp Genetics (formerly Invitae), Labcorp
Classification: Pathogenic for Immunodeficiency, common variable, 7. Last evaluated: 2023-10-04. Review status: criteria provided, single submitter. Criteria: Invitae Variant Classification Sherloc (09022015). Collection method: clinical testing. Allele origin: germline.
Comment: This sequence change creates a premature translational stop signal (p.Tyr506*) in the CR2 gene. It is expected to result in an absent or disrupted protein product. Loss-of-function variants in CR2 are known to be pathogenic (PMID: 26325596, 28499783). This variant is not present in population databases (gnomAD no frequency). This variant has not been reported in the literature in individuals affected with CR2-related conditions. For these reasons, this variant has been classified as Pathogenic.

Literature cited by the submitters: PubMed 26325596; PubMed 28499783.